The following is an entry in ClinVar:

ClinVar aggregate classification (germline): Uncertain significance (1 of 4 stars; one submission).

Allele frequency attached by ClinVar (database versions not stated): gnomAD 0.00001; gnomAD exomes 0.00001 and 0.00002; ExAC 0.00002; TOPMed 0.00002.

Submission:

Labcorp Genetics (formerly Invitae), Labcorp
Classification: Uncertain significance. Last evaluated: 2024-06-09. Review status: criteria provided, single submitter. Criteria: Invitae Variant Classification Sherloc (09022015). Collection method: clinical testing. Allele origin: germline.
Comment: This sequence change replaces arginine, which is basic and polar, with cysteine, which is neutral and slightly polar, at codon 172 of the TNFRSF6B protein (p.Arg172Cys). This variant is present in population databases (rs765591559, gnomAD 0.008%). This variant has not been reported in the literature in individuals affected with TNFRSF6B-related conditions. ClinVar contains an entry for this variant (Variation ID: 1403264). Algorithms developed to predict the effect of missense changes on protein structure and function output the following: SIFT: "Not Available"; PolyPhen-2: "Probably Damaging"; Align-GVGD: "Not Available". The cysteine amino acid residue is found in multiple mammalian species, which suggests that this missense change does not adversely affect protein function. In summary, the available evidence is currently insufficient to determine the role of this variant in disease. Therefore, it has been classified as a Variant of Uncertain Significance.

NM_003823.4(TNFRSF6B):c.514C>T (p.Arg172Cys)

Genes: RTEL1-TNFRSF6B (RTEL1-TNFRSF6B readthrough (NMD candidate); plus strand), TNFRSF6B (TNF receptor superfamily member 6b; plus strand). Cytogenetic location: 20q13.33.
Variant type: single nucleotide variant.
Coding change: c.514C>T on transcript NM_003823.4 (MANE Select); coding-DNA position 514, C replaced by T.
Protein change: p.Arg172Cys; replaces arginine 172 with cysteine.
Molecular consequence: missense variant. On other transcripts: non-coding transcript variant (1).
Genome position (GRCh38, 1-based): chr20:63,697,417, C>T. VCF-style: chr20-63697417-C-T. GRCh37 (hg19) VCF-style: chr20-62328770-C-T.
Other names: short protein forms R172C.
Identifiers: ClinVar variation 1403264 (VCV001403264.6), dbSNP rs765591559, ClinGen allele CA9966488.
Genomic context (GRCh38, chr20:63,697,417, plus strand): 5'-CCGTGCCCCCCAGGCACCTTCTCAGCCAGCAGCTCCAGCTCAGAGCAGTGCCAGCCCCAC[C>T]GCAACTGCACGGCCCTGGGCCTGGCCCTCAATGTGCCAGGCTCTTCCTCCCATGACACCC-3'
Protein context (NP_003814.1, residues 162-182): SSSSEQCQPH[Arg172Cys]NCTALGLALN